The following is an entry in ClinVar:

ClinVar aggregate classification (germline): Uncertain significance (1 of 4 stars; one submission).

Conditions:
C3-related disorder. Also called: C3-related condition.

Submission:

PreventionGenetics, part of Exact Sciences
Classification: Uncertain significance for C3-related condition. Last evaluated: 2025-02-21. Review status: criteria provided, single submitter. Criteria: ACMG Guidelines, 2015. Collection method: clinical testing. Allele origin: germline.
Comment: The C3 c.3048C>G variant is predicted to result in the amino acid substitution p.Ile1016Met. To our knowledge, this variant has not been reported in the literature or in a large population database (gnomAD), indicating this variant is rare. At this time, the clinical significance of this variant is uncertain due to the absence of conclusive functional and genetic evidence.

NM_000064.4(C3):c.3048C>G (p.Ile1016Met)

Gene: C3 (complement C3; minus strand). Cytogenetic location: 19p13.3.
Variant type: single nucleotide variant.
Coding change: c.3048C>G on transcript NM_000064.4 (MANE Select); coding-DNA position 3048, C replaced by G.
Protein change: p.Ile1016Met; replaces isoleucine 1016 with methionine.
Molecular consequence: missense variant.
Genome position (GRCh38, 1-based): chr19:6,694,537, G>C on the plus strand (C>G on the coding strand, the complement: C3 is on the minus strand). VCF-style: chr19-6694537-G-C. GRCh37 (hg19) VCF-style: chr19-6694548-G-C.
Other names: short protein forms I1016M.
Identifiers: ClinVar variation 4998257 (VCV004998257.1).